The following is an entry in ClinVar:

NM_000548.5(TSC2):c.2932_2934dup (p.Arg978dup)

Gene: TSC2 (TSC complex subunit 2; plus strand). Cytogenetic location: 16p13.3.
Variant type: Duplication.
Coding change: c.2932_2934dup on transcript NM_000548.5 (MANE Select); coding-DNA positions 2932 to 2934, 3 bases duplicated (CGC; older notation c.2932_2934dupCGC).
Protein change: p.Arg978dup; duplicates arginine 978.
Molecular consequence: inframe insertion. On other transcripts: intron variant (9).
Genome position (GRCh38, 1-based): chr16:2,077,692-2,077,694, CGC duplicated; duplicating any 3 consecutive bases within chr16:2,077,690-2,077,694 gives the same sequence; the c. name uses the placement nearest the transcript's 3' end. VCF-style (leftmost placement, unchanged base first): chr16-2077689-T-TGCC. GRCh37 (hg19) VCF-style: chr16-2127690-T-TGCC.
Other names: c.2932_2934dup, p.Arg978dup (NM_001114382.3); c.2837+1107_2837+1109dup (NM_021055.3, NM_001370405.1, NM_001363528.2 and 2 more transcripts); c.2726+1107_2726+1109dup (NM_001318827.2); c.2237+1107_2237+1109dup (NM_001318831.2); c.2690+1107_2690+1109dup (NM_001318829.2); c.2870+1107_2870+1109dup (NM_001318832.2).
Identifiers: ClinVar variation 1002495 (VCV001002495.8), dbSNP rs2089593679, ClinGen allele CA2202023491.

ClinVar aggregate classification (germline): Uncertain significance (1 of 4 stars; one submission).

Conditions:
Tuberous sclerosis 2 (TSC2). Identifiers: Orphanet 805, MedGen C1860707, MONDO:0013199, OMIM 613254.

Submission:

Labcorp Genetics (formerly Invitae), Labcorp
Classification: Uncertain significance for Tuberous sclerosis 2. Last evaluated: 2020-06-28. Review status: criteria provided, single submitter. Criteria: Invitae Variant Classification Sherloc (09022015). Collection method: clinical testing. Allele origin: germline.
Comment: In summary, the available evidence is currently insufficient to determine the role of this variant in disease. Therefore, it has been classified as a Variant of Uncertain Significance. Experimental studies and prediction algorithms are not available or were not evaluated, and the functional significance of this variant is currently unknown. This variant has not been reported in the literature in individuals with TSC2-related conditions. This variant is not present in population databases (ExAC no frequency). This variant, c.2932_2934dup, results in the insertion of 1 amino acid to the TSC2 protein (p.Arg978dup), but otherwise preserves the integrity of the reading frame.